The following is an entry in ClinVar:

NM_147127.5(EVC2):c.1208G>A (p.Ser403Asn)

Genes: EVC2 (EvC ciliary complex subunit 2; minus strand), LOC126806961 (BRD4-independent group 4 enhancer GRCh37_chr4:5641443-5642642; plus strand). Cytogenetic location: 4p16.2.
Variant type: single nucleotide variant.
Coding change: c.1208G>A on transcript NM_147127.5 (MANE Select); coding-DNA position 1208, G replaced by A.
Protein change: p.Ser403Asn; replaces serine 403 with asparagine.
Molecular consequence: missense variant.
Genome position (GRCh38, 1-based): chr4:5,640,776, C>T on the plus strand (G>A on the coding strand, the complement: EVC2 is on the minus strand). VCF-style: chr4-5640776-C-T. GRCh37 (hg19) VCF-style: chr4-5642503-C-T.
Other names: c.968G>A, p.Ser323Asn (NM_001166136.2); short protein forms S323N, S403N.
Identifiers: ClinVar variation 712768 (VCV000712768.44), dbSNP rs202093384, ClinGen allele CA2835119.
Genomic context (GRCh38, chr4:5,640,776, plus strand): 5'-TGGGGTGAGAGGTGGCCACTGCTGGTGAGATTTTTCAGCAGAAGGGCAATGATATCCTTG[C>T]TGATTTGTGTTCGACAAGCCTCCAGATCTGCATCTGCCCGATTCAGGGTTGCAATCTCCA-3'
Protein context (NP_667338.3, residues 393-413): ADLEACRTQI[Ser403Asn]KDIIALLLKN

ClinVar aggregate classification (germline): Conflicting classifications of pathogenicity. Review status: criteria provided, conflicting classifications (1 of 4 stars). 9 submissions from 9 submitters: Uncertain significance (1); Benign (2); Likely benign (4). 2 of the submissions do not count toward it. Last evaluated 2026-06-01.

Conditions:
Inborn genetic diseases. Identifiers: MedGen C0950123, MeSH D030342.
Ellis-van Creveld syndrome (EVC). Also called: Chondroectodermal dysplasia; MESOECTODERMAL DYSPLASIA. Identifiers: Orphanet 289, MedGen C0013903, MONDO:0009162, OMIM 225500.
Curry-Hall syndrome (WAD). Also called: WEYERS ACRODENTAL DYSOSTOSIS. Identifiers: Orphanet 952, MedGen C0457013, MONDO:0008673, OMIM 193530.

Allele frequency attached by ClinVar (database versions not stated): gnomAD 0.00013 and 0.00033; TOPMed 0.00014; gnomAD exomes 0.00049 and 0.00079; ExAC 0.00091; 1000 Genomes Project 30x 0.00156; 1000 Genomes Project 0.00160.
gnomAD v4.1: 777 of 1,614,180 alleles (0.048%); highest among the groups gnomAD compares: South Asian, 0.55%; 2 homozygotes.

Submissions (9):

Women's Health and Genetics/Laboratory Corporation of America, LabCorp
Classification: Likely benign. Last evaluated: 2026-06-01. Review status: criteria provided, single submitter. Criteria: LabCorp Variant Classification Summary - May 2015. Collection method: clinical testing. Allele origin: germline.
Comment: Variant summary: EVC2 c.1208G>A (p.Ser403Asn) results in a conservative amino acid change in the encoded protein sequence. Algorithms developed to predict the effect of missense changes on protein structure and function all suggest that this variant is likely to be tolerated. The variant allele was found at a frequency of 0.00079 in 251358 control chromosomes, predominantly at a frequency of 0.0058 within the South Asian subpopulation in the gnomAD database, including 1 homozygotes. The observed variant frequency within South Asian control individuals in the gnomAD database exceeds the estimated maximal expected allele frequency for disease-causing variants in EVC2. To our knowledge, no occurrence of c.1208G>A in individuals affected with EVC2-related conditions and no experimental evidence demonstrating its impact on protein function have been reported. ClinVar contains an entry for this variant (Variation ID: 712768). Based on the evidence outlined above, the variant was classified as likely benign.

Labcorp Genetics (formerly Invitae), Labcorp
Classification: Benign for Curry-Hall syndrome; Ellis-van Creveld syndrome. Last evaluated: 2026-01-25. Review status: criteria provided, single submitter. Criteria: Invitae Variant Classification Sherloc (09022015). Collection method: clinical testing. Allele origin: germline.

Blueprint Genetics
Classification: Likely benign. Last evaluated: 2024-11-25. Review status: criteria provided, single submitter. Criteria: ACMG Guidelines, 2015. Collection method: clinical testing. Allele origin: germline.

Ambry Genetics
Classification: Uncertain significance for Inborn genetic diseases. Last evaluated: 2024-11-09. Review status: criteria provided, single submitter. Criteria: Ambry Variant Classification Scheme 2023. Collection method: clinical testing. Allele origin: germline.

CeGaT Center for Human Genetics Tuebingen
Classification: Likely benign. Last evaluated: 2024-07-01. Review status: criteria provided, single submitter. Criteria: CeGaT Center For Human Genetics Tuebingen Variant Classification Criteria Version 2. Collection method: clinical testing. Allele origin: germline. Affected: yes. Observed: 3 variant alleles.
Comment: EVC2: BP4

GeneDx
Classification: Benign. Last evaluated: 2020-07-09. Review status: criteria provided, single submitter. Criteria: GeneDx Variant Classification Process June 2021. Collection method: clinical testing. Allele origin: germline. Affected: yes.

Department of Pathology and Laboratory Medicine, Sinai Health System
Classification: Likely benign for Curry-Hall syndrome; Ellis-van Creveld syndrome. Last evaluated: 2020-04-30. Review status: criteria provided, single submitter. Criteria: ACMG Guidelines, 2015. Collection method: research. Allele origin: germline.

Clinical Genetics DNA and cytogenetics Diagnostics Lab, Erasmus MC, Erasmus Medical Center
Classification: Likely benign. Review status: no assertion criteria provided. Collection method: clinical testing. Allele origin: germline. Affected: yes. Study: VKGL Data-share Consensus. Not counted in ClinVar's aggregate classification.

Laboratory of Diagnostic Genome Analysis, Leiden University Medical Center (LUMC)
Classification: Likely benign. Review status: no assertion criteria provided. Collection method: clinical testing. Allele origin: germline. Affected: yes. Study: VKGL Data-share Consensus. Not counted in ClinVar's aggregate classification.